The following is an entry in ClinVar:

ClinVar aggregate classification (germline): Conflicting classifications of pathogenicity. Review status: criteria provided, conflicting classifications (1 of 4 stars). 4 submissions from 4 submitters: Uncertain significance (2); Likely benign (1). 1 of the submissions does not count toward it. Last evaluated 2026-09-04.

Conditions:
DNAJC21-related disorder. Also called: DNAJC21-related condition.

Allele frequency attached by ClinVar (database versions not stated): gnomAD exomes 0.00032 and 0.00014; gnomAD 0.00093 and 0.00090; ExAC 0.00039; ESP Exome Variant Server 0.00108; TOPMed 0.00101; 1000 Genomes Project 30x 0.00109; 1000 Genomes Project 0.00140.
gnomAD v4.1: 346 of 1,613,986 alleles (0.021%); highest among the groups gnomAD compares: African/African-American, 0.32%; 1 homozygote.

Submissions (5):

GeneDx
Classification: Uncertain significance. Last evaluated: 2026-09-04. Review status: criteria provided, single submitter. Criteria: GeneDx Variant Classification Process June 2021. Collection method: clinical testing. Allele origin: germline.
Comment: In silico analysis supports that this missense variant has a deleterious effect on protein structure/function; Has not been previously published as pathogenic or benign to our knowledge

Labcorp Genetics (formerly Invitae), Labcorp
Classification: Likely benign. Last evaluated: 2026-01-27. Review status: criteria provided, single submitter. Criteria: Invitae Variant Classification Sherloc (09022015). Collection method: clinical testing. Allele origin: germline.

Genetic Services Laboratory, University of Chicago
Classification: Uncertain significance. Last evaluated: 2017-07-13. Review status: criteria provided, single submitter. Criteria: ACMG Guidelines, 2015. Collection method: clinical testing. Allele origin: germline. Affected: no.

PreventionGenetics, part of Exact Sciences
Classification: Likely benign for DNAJC21-related condition. Last evaluated: 2022-05-10. Review status: no assertion criteria provided. Collection method: clinical testing. Allele origin: germline. Not counted in ClinVar's aggregate classification.
Comment: This variant is classified as likely benign based on ACMG/AMP sequence variant interpretation guidelines (Richards et al. 2015 PMID: 25741868, with internal and published modifications).

Dr. Peter K. Rogan Lab, Western University
No classification provided (evidence only). Condition: Familial cancer of breast. Review status: no classification provided. Collection method: in vitro. Allele origin: not applicable. Functional consequence: retained intron. Not counted in ClinVar's aggregate classification.

NM_001012339.3(DNAJC21):c.656C>T (p.Ala219Val)

Gene: DNAJC21 (DnaJ heat shock protein family (Hsp40) member C21; plus strand). Cytogenetic location: 5p13.2.
Variant type: single nucleotide variant.
Coding change: c.656C>T on transcript NM_001012339.3 (MANE Select); coding-DNA position 656, C replaced by T.
Protein change: p.Ala219Val; replaces alanine 219 with valine.
Molecular consequence: missense variant.
Genome position (GRCh38, 1-based): chr5:34,937,543, C>T. VCF-style: chr5-34937543-C-T. GRCh37 (hg19) VCF-style: chr5-34937648-C-T.
Other names: c.656C>T, p.Ala219Val (NM_001348420.2, NM_194283.4); short protein forms A219V.
Identifiers: ClinVar variation 783390 (VCV000783390.20), dbSNP rs144046917, ClinGen allele CA3228512.